The following is an entry in ClinVar:

NM_033641.4(COL4A6):c.2854G>T (p.Val952Phe)

Gene: COL4A6 (collagen type IV alpha 6 chain; minus strand). Cytogenetic location: Xq22.3.
Variant type: single nucleotide variant.
Coding change: c.2854G>T on transcript NM_033641.4 (MANE Select); coding-DNA position 2854, G replaced by T.
Protein change: p.Val952Phe; replaces valine 952 with phenylalanine.
Molecular consequence: missense variant.
Genome position (GRCh38, 1-based): chrX:108,175,192, C>A on the plus strand (G>T on the coding strand, the complement: COL4A6 is on the minus strand). VCF-style: chrX-108175192-C-A. GRCh37 (hg19) VCF-style: chrX-107418422-C-A.
Other names: c.2905G>T, p.Val969Phe (NM_001287758.2); c.2854G>T, p.Val952Phe (NM_001287759.2, NM_001287760.2); c.2857G>T, p.Val953Phe (NM_001847.4); short protein forms V969F, V953F, V952F.
Identifiers: ClinVar variation 2157887 (VCV002157887.4), dbSNP rs2521864009, ClinGen allele CA413857526.

ClinVar aggregate classification (germline): Uncertain significance (1 of 4 stars; one submission).

Submission:

Labcorp Genetics (formerly Invitae), Labcorp
Classification: Uncertain significance. Last evaluated: 2022-10-19. Review status: criteria provided, single submitter. Criteria: Invitae Variant Classification Sherloc (09022015). Collection method: clinical testing. Allele origin: germline.
Comment: This variant has not been reported in the literature in individuals affected with COL4A6-related conditions. This variant is not present in population databases (gnomAD no frequency). This sequence change replaces valine, which is neutral and non-polar, with phenylalanine, which is neutral and non-polar, at codon 953 of the COL4A6 protein (p.Val953Phe). Advanced modeling of protein sequence and biophysical properties (such as structural, functional, and spatial information, amino acid conservation, physicochemical variation, residue mobility, and thermodynamic stability) performed at Invitae indicates that this missense variant is not expected to disrupt COL4A6 protein function. In summary, the available evidence is currently insufficient to determine the role of this variant in disease. Therefore, it has been classified as a Variant of Uncertain Significance.